The following is an entry in ClinVar:

NM_001985.3(ETFB):c.395A>C (p.Asn132Thr)

Gene: ETFB (electron transfer flavoprotein subunit beta; minus strand). Cytogenetic location: 19q13.41.
Variant type: single nucleotide variant.
Coding change: c.395A>C on transcript NM_001985.3 (MANE Select); coding-DNA position 395, A replaced by C.
Protein change: p.Asn132Thr; replaces asparagine 132 with threonine.
Molecular consequence: missense variant.
Genome position (GRCh38, 1-based): chr19:51,350,372, T>G on the plus strand (A>C on the coding strand, the complement: ETFB is on the minus strand). VCF-style: chr19-51350372-T-G. GRCh37 (hg19) VCF-style: chr19-51853626-T-G.
Other names: c.668A>C, p.Asn223Thr (NM_001014763.1); short protein forms N132T, N223T.
Identifiers: ClinVar variation 2083502 (VCV002083502.1), dbSNP rs757361405, ClinGen allele CA9610769.

ClinVar aggregate classification (germline): Uncertain significance (1 of 4 stars; one submission).

Conditions:
Multiple acyl-CoA dehydrogenase deficiency (MADD). Also called: Glutaric acidemia type II; GA 2; Glutaric aciduria, type 2; ETHYLMALONIC-ADIPICACIDURIA; GA II; Glutaric Acidemia type 2. Identifiers: Orphanet 26791, MedGen C0268596, MONDO:0009282, OMIM 231680.

Allele frequency attached by ClinVar (database versions not stated): gnomAD exomes 0.00001; TOPMed 0.00001; ExAC 0.00002.
gnomAD v4.1: 3 of 1,590,364 alleles (0.00019%); highest among the groups gnomAD compares: Admixed American, 0.005%; no homozygotes.

Submission:

Labcorp Genetics (formerly Invitae), Labcorp
Classification: Uncertain significance for Multiple acyl-CoA dehydrogenase deficiency. Last evaluated: 2022-03-14. Review status: criteria provided, single submitter. Criteria: Invitae Variant Classification Sherloc (09022015). Collection method: clinical testing. Allele origin: germline.
Comment: This sequence change replaces asparagine, which is neutral and polar, with threonine, which is neutral and polar, at codon 132 of the ETFB protein (p.Asn132Thr). This variant is present in population databases (rs757361405, gnomAD 0.006%). This variant has not been reported in the literature in individuals affected with ETFB-related conditions. Algorithms developed to predict the effect of missense changes on protein structure and function are either unavailable or do not agree on the potential impact of this missense change (SIFT: "Deleterious"; PolyPhen-2: "Benign"; Align-GVGD: "Class C0"). In summary, the available evidence is currently insufficient to determine the role of this variant in disease. Therefore, it has been classified as a Variant of Uncertain Significance.